The following is an entry in ClinVar:

NM_152594.3(SPRED1):c.611T>C (p.Ile204Thr)

Gene: SPRED1 (sprouty related EVH1 domain containing 1; plus strand). Cytogenetic location: 15q14.
Variant type: single nucleotide variant.
Coding change: c.611T>C on transcript NM_152594.3 (MANE Select); coding-DNA position 611, T replaced by C.
Protein change: p.Ile204Thr; replaces isoleucine 204 with threonine.
Molecular consequence: missense variant.
Genome position (GRCh38, 1-based): chr15:38,349,450, T>C. VCF-style: chr15-38349450-T-C. GRCh37 (hg19) VCF-style: chr15-38641651-T-C.
Other names: c.611T>C (NM_152594.2); short protein forms I204T.
Identifiers: ClinVar variation 2037804 (VCV002037804.5), dbSNP rs1227245527, ClinGen allele CA391932828.

ClinVar aggregate classification (germline): Uncertain significance. Review status: criteria provided, multiple submitters, no conflicts (2 of 4 stars). 2 submissions from 2 submitters: Uncertain significance (2). Last evaluated 2025-05-23.

Conditions:
Legius syndrome. Identifiers: Orphanet 137605, MedGen C1969623, MONDO:0012669, OMIM 611431. Disease mechanism: loss of function.
Cardiovascular phenotype. Identifiers: MedGen CN230736.

Allele frequency attached by ClinVar (database versions not stated): gnomAD exomes below 0.00001.
gnomAD v4.1: 1 of 1,612,770 alleles (0.000062%); highest among the groups gnomAD compares: Admixed American, 0.0017%; no homozygotes.

Submissions (2):

Ambry Genetics
Classification: Uncertain significance for Cardiovascular phenotype. Last evaluated: 2025-05-23. Review status: criteria provided, single submitter. Criteria: Ambry Variant Classification Scheme 2023. Collection method: clinical testing. Allele origin: germline.
Comment: The p.I204T variant (also known as c.611T>C), located in coding exon 6 of the SPRED1 gene, results from a T to C substitution at nucleotide position 611. The isoleucine at codon 204 is replaced by threonine, an amino acid with similar properties. This amino acid position is conserved. In addition, this alteration is predicted to be tolerated by in silico analysis. Based on the available evidence, the clinical significance of this variant remains unclear.

Labcorp Genetics (formerly Invitae), Labcorp
Classification: Uncertain significance for Legius syndrome. Last evaluated: 2024-02-05. Review status: criteria provided, single submitter. Criteria: Invitae Variant Classification Sherloc (09022015). Collection method: clinical testing. Allele origin: germline.
Comment: This sequence change replaces isoleucine, which is neutral and non-polar, with threonine, which is neutral and polar, at codon 204 of the SPRED1 protein (p.Ile204Thr). This variant is present in population databases (no rsID available, gnomAD 0.003%). This variant has not been reported in the literature in individuals affected with SPRED1-related conditions. ClinVar contains an entry for this variant (Variation ID: 2037804). Advanced modeling of protein sequence and biophysical properties (such as structural, functional, and spatial information, amino acid conservation, physicochemical variation, residue mobility, and thermodynamic stability) performed at Invitae indicates that this missense variant is not expected to disrupt SPRED1 protein function with a negative predictive value of 80%. In summary, the available evidence is currently insufficient to determine the role of this variant in disease. Therefore, it has been classified as a Variant of Uncertain Significance.